The following is an entry in ClinVar:

NM_001277115.2(DNAH11):c.13407_13415dup (p.Thr4472_Lys4473insGlnGluThr)

Genes: CDCA7L (cell division cycle associated 7 like; minus strand), DNAH11 (dynein axonemal heavy chain 11; plus strand). Cytogenetic location: 7p15.3.
Variant type: Duplication.
Coding change: c.13407_13415dup on transcript NM_001277115.2 (MANE Select); coding-DNA positions 13407 to 13415, 9 bases duplicated (ACAAGAAAC; older notation c.13407_13415dupACAAGAAAC).
Protein change: p.Thr4472_Lys4473insGlnGluThr.
Molecular consequence: inframe insertion. On other transcripts: 3 prime UTR variant (3).
Genome position (GRCh38, 1-based): chr7:21,901,110-21,901,118, ACAAGAAAC duplicated. VCF-style (leftmost placement, unchanged base first): chr7-21901109-G-GACAAGAAAC. GRCh37 (hg19) VCF-style: chr7-21940727-G-GACAAGAAAC.
Other names: c.*1204_*1212dup (NM_001127370.3, NM_001127371.3, NM_018719.5); c.13407_13415dupACAAGAAAC (NM_001277115.1).
Identifiers: ClinVar variation 565515 (VCV000565515.8), dbSNP rs748080467, ClinGen allele CA4183482.

ClinVar aggregate classification (germline): Uncertain significance. Review status: criteria provided, multiple submitters, no conflicts (2 of 4 stars). 2 submissions from 2 submitters: Uncertain significance (2). Last evaluated 2025-10-02.

Conditions:
Primary ciliary dyskinesia 7. Also called: CILIARY DYSKINESIA, PRIMARY, 7, WITH OR WITHOUT SITUS INVERSUS. Identifiers: Orphanet 244, MedGen C2678473, MONDO:0012748, OMIM 611884.
Primary ciliary dyskinesia. Also called: Ciliary dyskinesia. Identifiers: Orphanet 244, MedGen C0008780, MONDO:0016575, HP:0012265.

Allele frequency attached by ClinVar (database versions not stated): gnomAD exomes 0.00002 and 0.00004; ExAC 0.00005; gnomAD 0.00006; TOPMed 0.00006; ESP Exome Variant Server 0.00009.

Submissions (2):

3billion
Classification: Uncertain significance for Primary ciliary dyskinesia 7. Last evaluated: 2025-10-02. Review status: criteria provided, single submitter. Criteria: ACMG Guidelines, 2015. Collection method: clinical testing. Allele origin: germline. Affected: yes.
Comment: The variant is observed at an extremely low frequency in the gnomAD v4.1.0 dataset (total allele frequency: 0.003%). Predicted Consequence/Location: Inframe insertion located in a nonrepeat region: predicted to change the length of the protein and disrupt normal protein function. The variant has been reported as of uncertain significance (ClinVar ID: VCV000565515). Therefore, this variant is classified as VUS according to the recommendation of ACMG/AMP guideline.

Labcorp Genetics (formerly Invitae), Labcorp
Classification: Uncertain significance for Primary ciliary dyskinesia. Last evaluated: 2024-12-02. Review status: criteria provided, single submitter. Criteria: Invitae Variant Classification Sherloc (09022015). Collection method: clinical testing. Allele origin: germline.
Comment: This variant, c.13407_13415dup, results in the insertion of 3 amino acid(s) of the DNAH11 protein (p.Gln4470_Thr4472dup), but otherwise preserves the integrity of the reading frame. This variant is present in population databases (rs748080467, gnomAD 0.02%). This variant has not been reported in the literature in individuals affected with DNAH11-related conditions. ClinVar contains an entry for this variant (Variation ID: 565515). Experimental studies and prediction algorithms are not available or were not evaluated, and the functional significance of this variant is currently unknown. In summary, the available evidence is currently insufficient to determine the role of this variant in disease. Therefore, it has been classified as a Variant of Uncertain Significance.